The following is an entry in ClinVar:

NM_030787.4(CFHR5):c.239C>A (p.Thr80Lys)

Gene: CFHR5 (complement factor H related 5; plus strand). Cytogenetic location: 1q31.3.
Variant type: single nucleotide variant.
Coding change: c.239C>A on transcript NM_030787.4 (MANE Select); coding-DNA position 239, C replaced by A.
Protein change: p.Thr80Lys; replaces threonine 80 with lysine.
Molecular consequence: missense variant.
Genome position (GRCh38, 1-based): chr1:196,983,065, C>A. VCF-style: chr1-196983065-C-A. GRCh37 (hg19) VCF-style: chr1-196952195-C-A.
Other names: p.Thr80Lys; short protein forms T80K.
Identifiers: ClinVar variation 3380443 (VCV003380443.1).

ClinVar aggregate classification (germline): Uncertain significance (1 of 4 stars; one submission).

Submission:

Mayo Clinic Laboratories, Mayo Clinic
Classification: Uncertain significance. Last evaluated: 2024-02-14. Review status: criteria provided, single submitter. Criteria: ACMG Guidelines, 2015. Collection method: clinical testing. Allele origin: germline. Observed: 1 variant allele.
Comment: BP4, PM2